The following is an entry in ClinVar:

NM_015047.3(EMC1):c.1537C>T (p.Arg513Trp)

Genes: EMC1 (ER membrane protein complex subunit 1; minus strand), EMC1-AS1 (EMC1 antisense RNA 1; plus strand). Cytogenetic location: 1p36.13.
Variant type: single nucleotide variant.
Coding change: c.1537C>T on transcript NM_015047.3 (MANE Select); coding-DNA position 1537, C replaced by T.
Protein change: p.Arg513Trp; replaces arginine 513 with tryptophan.
Molecular consequence: missense variant.
Genome position (GRCh38, 1-based): chr1:19,233,031, G>A on the plus strand (C>T on the coding strand, the complement: EMC1 is on the minus strand). VCF-style: chr1-19233031-G-A. GRCh37 (hg19) VCF-style: chr1-19559525-G-A.
Other names: c.1534C>T, p.Arg512Trp (NM_001271427.2, NM_001271428.2); c.1471C>T, p.Arg491Trp (NM_001271429.2); c.1546C>T, p.Arg516Trp (NM_001375820.1); c.1543C>T, p.Arg515Trp (NM_001375821.1); short protein forms R512W, R491W, R513W, R515W, R516W.
Identifiers: ClinVar variation 2162011 (VCV002162011.4), dbSNP rs969642659, ClinGen allele CA18816107.

ClinVar aggregate classification (germline): Uncertain significance (1 of 4 stars; one submission).

Allele frequency attached by ClinVar (database versions not stated): TOPMed 0.00001.
gnomAD v4.1: 20 of 1,614,070 alleles (0.0012%); highest among the groups gnomAD compares: Non-Finnish European, 0.0016%; no homozygotes.

Submission:

Labcorp Genetics (formerly Invitae), Labcorp
Classification: Uncertain significance. Last evaluated: 2025-10-13. Review status: criteria provided, single submitter. Criteria: Invitae Variant Classification Sherloc (09022015). Collection method: clinical testing. Allele origin: germline.
Comment: This sequence change replaces arginine, which is basic and polar, with tryptophan, which is neutral and slightly polar, at codon 513 of the EMC1 protein (p.Arg513Trp). This variant is present in population databases (no rsID available, gnomAD 0.002%). This variant has not been reported in the literature in individuals affected with EMC1-related conditions. ClinVar contains an entry for this variant (Variation ID: 2162011). An algorithm developed to predict the effect of missense changes on protein structure and function (PolyPhen-2) suggests that this variant is likely to be disruptive. In summary, the available evidence is currently insufficient to determine the role of this variant in disease. Therefore, it has been classified as a Variant of Uncertain Significance.